The following is an entry in ClinVar:

ClinVar aggregate classification (germline): Conflicting classifications of pathogenicity. Review status: criteria provided, conflicting classifications (1 of 4 stars). 5 submissions from 5 submitters: Uncertain significance (2); Benign (1); Likely benign (1). 1 of the submissions does not count toward it. Last evaluated 2026-01-13.

Conditions:
Nemaline myopathy 2 (NEM2). Also called: Nemaline myopathy 2, autosomal recessive. Identifiers: MedGen C1850569, MONDO:0009725, OMIM 256030.

Allele frequency attached by ClinVar (database versions not stated): gnomAD exomes 0.00002 and 0.00005; ExAC 0.00005; gnomAD 0.00015 and 0.00017; TOPMed 0.00024.
gnomAD v4.1: 48 of 1,522,774 alleles (0.0032%); highest among the groups gnomAD compares: African/African-American, 0.06%; no homozygotes.

Submissions (5):

Labcorp Genetics (formerly Invitae), Labcorp
Classification: Benign for Nemaline myopathy 2. Last evaluated: 2026-01-13. Review status: criteria provided, single submitter. Criteria: Invitae Variant Classification Sherloc (09022015). Collection method: clinical testing. Allele origin: germline.

Women's Health and Genetics/Laboratory Corporation of America, LabCorp
Classification: Uncertain significance. Last evaluated: 2024-10-11. Review status: criteria provided, single submitter. Criteria: LabCorp Variant Classification Summary - May 2015. Collection method: clinical testing. Allele origin: germline.
Comment: Variant summary: NEB c.24201T>G (p.Asn8067Lys) results in a non-conservative amino acid change in the encoded protein sequence. Three of four in-silico tools predict a damaging effect of the variant on protein function. The variant allele was found at a frequency of 4.9e-05 in 143952 control chromosomes. The available data on variant occurrences in the general population are insufficient to allow any conclusion about variant significance. To our knowledge, no occurrence of c.24201T>G in individuals affected with Nemaline Myopathy 2 and no experimental evidence demonstrating its impact on protein function have been reported. ClinVar contains an entry for this variant (Variation ID: 654368). Based on the evidence outlined above, the variant was classified as uncertain significance.

Revvity Omics, Revvity
Classification: Uncertain significance. Last evaluated: 2022-03-31. Review status: criteria provided, single submitter. Criteria: ACMG Guidelines, 2015. Collection method: clinical testing. Allele origin: germline.

GeneDx
Classification: Likely benign. Last evaluated: 2019-02-05. Review status: criteria provided, single submitter. Criteria: GeneDx Variant Classification Process June 2021. Collection method: clinical testing. Allele origin: germline. Affected: yes.
Comment: See Variant Classification Assertion Criteria.

Natera, Inc.
Classification: Uncertain significance for Nemaline myopathy type 2. Last evaluated: 2020-01-17. Review status: no assertion criteria provided. Collection method: clinical testing. Allele origin: germline. Not counted in ClinVar's aggregate classification.

NM_001164508.2(NEB):c.24096T>G (p.Asn8032Lys)

Genes: NEB (nebulin; minus strand), RIF1 (replication timing regulatory factor 1; plus strand). Cytogenetic location: 2q23.3.
Variant type: single nucleotide variant.
Coding change: c.24096T>G on transcript NM_001164508.2 (MANE Select); coding-DNA position 24096, T replaced by G.
Protein change: p.Asn8032Lys; replaces asparagine 8032 with lysine.
Molecular consequence: missense variant. On other transcripts: intron variant (1).
Genome position (GRCh38, 1-based): chr2:151,499,316, A>C on the plus strand (T>G on the coding strand, the complement: NEB is on the minus strand). VCF-style: chr2-151499316-A-C. GRCh37 (hg19) VCF-style: chr2-152355830-A-C.
Other names: c.24096T>G, p.Asn8032Lys (NM_001164507.2); c.24201T>G, p.Asn8067Lys (NM_001271208.2); c.18826-2948T>G (NM_004543.5); short protein forms N8067K, N8032K.
Identifiers: ClinVar variation 654368 (VCV000654368.12), dbSNP rs770023115, ClinGen allele CA1906154.